The following is an entry in ClinVar:

ClinVar aggregate classification (germline): Uncertain significance (1 of 4 stars; one submission).

Conditions:
Spondyloepimetaphyseal dysplasia, PAPSS2 type. Also called: BRACHYOLMIA TYPE 4 WITH MILD EPIPHYSEAL AND METAPHYSEAL CHANGES; SPONDYLODYSPLASIA AND PREMATURE PUBARCHE; SEMD, PAKISTANI TYPE. Identifiers: Orphanet 93282, MedGen C2748516, MONDO:0019666, OMIM 612847.

gnomAD v4.1: 123 of 325,550 alleles (0.038%); highest among the groups gnomAD compares: Middle Eastern, 0.097%; no homozygotes.

Submission:

Labcorp Genetics (formerly Invitae), Labcorp
Classification: Uncertain significance for Spondyloepimetaphyseal dysplasia, PAPSS2 type. Last evaluated: 2021-07-07. Review status: criteria provided, single submitter. Criteria: Invitae Variant Classification Sherloc (09022015). Collection method: clinical testing. Allele origin: germline.
Comment: This sequence change falls in intron 3 of the PAPSS2 gene. It does not directly change the encoded amino acid sequence of the PAPSS2 protein. It affects a nucleotide within the consensus splice site of the intron. This variant is present in population databases (rs773039134, ExAC 0.005%). This variant has not been reported in the literature in individuals affected with PAPSS2-related conditions. Nucleotide substitutions within the consensus splice site are a relatively common cause of aberrant splicing (PMID: 17576681, 9536098). Algorithms developed to predict the effect of sequence changes on RNA splicing suggest that this variant may disrupt the consensus splice site. In summary, the available evidence is currently insufficient to determine the role of this variant in disease. Therefore, it has been classified as a Variant of Uncertain Significance.

Literature cited by the submitters: PubMed 17576681; PubMed 9536098.

NM_001015880.2(PAPSS2):c.381+3A>T

Gene: PAPSS2 (3'-phosphoadenosine 5'-phosphosulfate synthase 2; plus strand). Cytogenetic location: 10q23.31.
Variant type: single nucleotide variant.
Coding change: c.381+3A>T on transcript NM_001015880.2 (MANE Select); 3 bases into the intron after coding-DNA position 381, A replaced by T.
Molecular consequence: intron variant.
Genome position (GRCh38, 1-based): chr10:87,713,313, A>T. VCF-style: chr10-87713313-A-T. GRCh37 (hg19) VCF-style: chr10-89473070-A-T.
Other names: c.381+3A>T (NM_004670.4).
Identifiers: ClinVar variation 1416724 (VCV001416724.6), dbSNP rs773039134, ClinGen allele CA5589417.